The following is an entry in ClinVar:

ClinVar aggregate classification (germline): Uncertain significance (1 of 4 stars; one submission).

Submission:

CeGaT Center for Human Genetics Tuebingen
Classification: Uncertain significance. Last evaluated: 2022-09-01. Review status: criteria provided, single submitter. Criteria: CeGaT Center For Human Genetics Tuebingen Variant Classification Criteria Version 2. Collection method: clinical testing. Allele origin: germline. Affected: yes. Observed: 1 variant allele.
Comment: MCF2L: PM2

NM_001112732.3(MCF2L):c.1570C>A (p.Leu524Met)

Gene: MCF2L (MCF.2 cell line derived transforming sequence like; plus strand). Cytogenetic location: 13q34.
Variant type: single nucleotide variant.
Coding change: c.1570C>A on transcript NM_001112732.3 (MANE Select); coding-DNA position 1570, C replaced by A.
Protein change: p.Leu524Met; replaces leucine 524 with methionine.
Molecular consequence: missense variant.
Genome position (GRCh38, 1-based): chr13:113,077,121, C>A. VCF-style: chr13-113077121-C-A. GRCh37 (hg19) VCF-style: chr13-113731435-C-A.
Other names: c.1564C>A, p.Leu522Met (NM_001320815.2, NM_001320817.2, NM_024979.5); c.1582C>A, p.Leu528Met (NM_001320816.2); c.1483C>A, p.Leu495Met (NM_001366644.2); c.1456C>A, p.Leu486Met (NM_001366645.2, NM_001366646.2); short protein forms L486M, L495M, L522M, L524M, L528M.
Identifiers: ClinVar variation 2643975 (VCV002643975.24), dbSNP rs2502357869, ClinGen allele CA388777458.